The following is an entry in ClinVar:

ClinVar aggregate classification (germline): Uncertain significance (1 of 4 stars; one submission).

Allele frequency attached by ClinVar (database versions not stated): ExAC 0.00001.
gnomAD v4.1: 4 of 1,603,664 alleles (0.00025%); highest among the groups gnomAD compares: South Asian, 0.0011%; no homozygotes.

Submission:

Labcorp Genetics (formerly Invitae), Labcorp
Classification: Uncertain significance. Last evaluated: 2025-03-23. Review status: criteria provided, single submitter. Criteria: Invitae Variant Classification Sherloc (09022015). Collection method: clinical testing. Allele origin: germline.
Comment: This sequence change replaces isoleucine, which is neutral and non-polar, with serine, which is neutral and polar, at codon 513 of the LZTR1 protein (p.Ile513Ser). This variant is present in population databases (rs755711196, gnomAD 0.006%). This variant has not been reported in the literature in individuals affected with LZTR1-related conditions. ClinVar contains an entry for this variant (Variation ID: 1719316). Invitae Evidence Modeling of protein sequence and biophysical properties (such as structural, functional, and spatial information, amino acid conservation, physicochemical variation, residue mobility, and thermodynamic stability) indicates that this missense variant is not expected to disrupt LZTR1 protein function with a negative predictive value of 80%. In summary, the available evidence is currently insufficient to determine the role of this variant in disease. Therefore, it has been classified as a Variant of Uncertain Significance.

NM_006767.4(LZTR1):c.1538T>G (p.Ile513Ser)

Gene: LZTR1 (leucine zipper like post translational regulator 1; plus strand). Cytogenetic location: 22q11.21.
Variant type: single nucleotide variant.
Coding change: c.1538T>G on transcript NM_006767.4 (MANE Select); coding-DNA position 1538, T replaced by G.
Protein change: p.Ile513Ser; replaces isoleucine 513 with serine.
Molecular consequence: missense variant.
Genome position (GRCh38, 1-based): chr22:20,994,192, T>G. VCF-style: chr22-20994192-T-G. GRCh37 (hg19) VCF-style: chr22-21348481-T-G.
Other names: short protein forms I513S.
Identifiers: ClinVar variation 1719316 (VCV001719316.5), dbSNP rs755711196, ClinGen allele CA10118933.